The following is an entry in ClinVar:

NM_022042.4(SLC26A1):c.1499G>C (p.Ser500Thr)

Genes: IDUA (alpha-L-iduronidase; plus strand), SLC26A1 (solute carrier family 26 member 1; minus strand). Cytogenetic location: 4p16.3.
Variant type: single nucleotide variant.
Coding change: c.1499G>C on transcript NM_022042.4 (MANE Select); coding-DNA position 1499, G replaced by C.
Protein change: p.Ser500Thr; replaces serine 500 with threonine.
Molecular consequence: missense variant. On other transcripts: intron variant (2).
Genome position (GRCh38, 1-based): chr4:989,440, C>G on the plus strand (G>C on the coding strand, the complement: SLC26A1 is on the minus strand). VCF-style: chr4-989440-C-G. GRCh37 (hg19) VCF-style: chr4-983228-C-G.
Other names: c.1499G>C, p.Ser500Thr (NM_213613.4); c.576+1688G>C (NM_134425.4); c.299+1491C>G (NM_000203.5); short protein forms S500T.
Identifiers: ClinVar variation 3591487 (VCV003591487.3).

ClinVar aggregate classification (germline): Uncertain significance. Review status: criteria provided, multiple submitters, no conflicts (2 of 4 stars). 2 submissions from 2 submitters: Uncertain significance (2). Last evaluated 2025-03-31.

Conditions:
Hypersulfaturia (HYSULF). Identifiers: MedGen C5830511, MONDO:0957268, OMIM 620372.
Nephrolithiasis susceptibility caused by SLC26A1 (CAON1). Also called: NEPHROLITHIASIS, CALCIUM OXALATE, 1. Identifiers: MedGen C5779632, MONDO:0020722, OMIM 167030.

gnomAD v4.1: 3 of 1,554,292 alleles (0.00019%); highest among the groups gnomAD compares: Admixed American, 0.0019%; no homozygotes.

Submissions (2):

Labcorp Genetics (formerly Invitae), Labcorp
Classification: Uncertain significance. Last evaluated: 2025-03-31. Review status: criteria provided, single submitter. Criteria: Invitae Variant Classification Sherloc (09022015). Collection method: clinical testing. Allele origin: germline.
Comment: This sequence change replaces serine, which is neutral and polar, with threonine, which is neutral and polar, at codon 500 of the SLC26A1 protein (p.Ser500Thr). This variant is not present in population databases (gnomAD no frequency). This variant has not been reported in the literature in individuals affected with SLC26A1-related conditions. ClinVar contains an entry for this variant (Variation ID: 3591487). Invitae Evidence Modeling of protein sequence and biophysical properties (such as structural, functional, and spatial information, amino acid conservation, physicochemical variation, residue mobility, and thermodynamic stability) indicates that this missense variant is not expected to disrupt SLC26A1 protein function with a negative predictive value of 80%. In summary, the available evidence is currently insufficient to determine the role of this variant in disease. Therefore, it has been classified as a Variant of Uncertain Significance.

Fulgent Genetics
Classification: Uncertain significance for Nephrolithiasis susceptibility caused by SLC26A1; Hypersulfaturia. Last evaluated: 2024-06-09. Review status: criteria provided, single submitter. Criteria: ACMG Guidelines, 2015. Collection method: clinical testing. Allele origin: germline.